The following is an entry in ClinVar:

NM_015937.6(PIGT):c.949A>G (p.Ile317Val)

Gene: PIGT (phosphatidylinositol glycan anchor biosynthesis class T; plus strand). Cytogenetic location: 20q13.12.
Variant type: single nucleotide variant.
Coding change: c.949A>G on transcript NM_015937.6 (MANE Select); coding-DNA position 949, A replaced by G.
Protein change: p.Ile317Val; replaces isoleucine 317 with valine.
Molecular consequence: missense variant. On other transcripts: non-coding transcript variant (5).
Genome position (GRCh38, 1-based): chr20:45,420,609, A>G. VCF-style: chr20-45420609-A-G. GRCh37 (hg19) VCF-style: chr20-44049249-A-G.
Other names: c.949A>G (NM_015937.4); c.781A>G, p.Ile261Val (NM_001184728.3); c.949A>G, p.Ile317Val (NM_001184729.3); c.643A>G, p.Ile215Val (NM_001184730.3); short protein forms I317V, I261V, I215V.
Identifiers: ClinVar variation 547916 (VCV000547916.7), dbSNP rs773624614, ClinGen allele CA9878111.

ClinVar aggregate classification (germline): Conflicting classifications of pathogenicity. Review status: criteria provided, conflicting classifications (1 of 4 stars). 3 submissions from 3 submitters: Uncertain significance (2); Likely benign (1). Last evaluated 2025-06-30.

Conditions:
Inborn genetic diseases. Identifiers: MedGen C0950123, MeSH D030342.
Multiple congenital anomalies-hypotonia-seizures syndrome 3 (MCAHS3). Also called: GLYCOSYLPHOSPHATIDYLINOSITOL BIOSYNTHESIS DEFECT 7. Identifiers: Orphanet 369837, MedGen C3809356, MONDO:0014165, OMIM 615398.
Paroxysmal nocturnal hemoglobinuria 2 (PNH2). Identifiers: Orphanet 447, MedGen C3809369, MONDO:0014166, OMIM 615399.

Allele frequency attached by ClinVar (database versions not stated): gnomAD exomes 0.00002 and 0.00006; gnomAD 0.00003; ExAC 0.00004; TOPMed 0.00007.
gnomAD v4.1: 40 of 1,613,752 alleles (0.0025%); highest among the groups gnomAD compares: Admixed American, 0.03%; no homozygotes.

Submissions (3):

Ambry Genetics
Classification: Likely benign for Inborn genetic diseases. Last evaluated: 2025-06-30. Review status: criteria provided, single submitter. Criteria: Ambry Variant Classification Scheme 2023. Collection method: clinical testing. Allele origin: germline.

Labcorp Genetics (formerly Invitae), Labcorp
Classification: Uncertain significance for Multiple congenital anomalies-hypotonia-seizures syndrome 3. Last evaluated: 2022-08-13. Review status: criteria provided, single submitter. Criteria: Invitae Variant Classification Sherloc (09022015). Collection method: clinical testing. Allele origin: germline.
Comment: This sequence change replaces isoleucine, which is neutral and non-polar, with valine, which is neutral and non-polar, at codon 317 of the PIGT protein (p.Ile317Val). This variant is present in population databases (rs773624614, gnomAD 0.03%). This variant has not been reported in the literature in individuals affected with PIGT-related conditions. ClinVar contains an entry for this variant (Variation ID: 547916). Algorithms developed to predict the effect of missense changes on protein structure and function output the following: SIFT: "Tolerated"; PolyPhen-2: "Benign"; Align-GVGD: "Class C0". The valine amino acid residue is found in multiple mammalian species, which suggests that this missense change does not adversely affect protein function. In summary, the available evidence is currently insufficient to determine the role of this variant in disease. Therefore, it has been classified as a Variant of Uncertain Significance.

Mayo Clinic Laboratories, Mayo Clinic
Classification: Uncertain significance for Multiple congenital anomalies-hypotonia-seizures syndrome 3; Paroxysmal nocturnal hemoglobinuria 2. Last evaluated: 2017-02-10. Review status: criteria provided, single submitter. Criteria: ACMG Guidelines, 2015. Collection method: clinical testing. Allele origin: maternal.